The following is an entry in ClinVar:

NM_004656.4(BAP1):c.639dup (p.Ile214fs)

Gene: BAP1 (BRCA1 associated deubiquitinase 1; minus strand). Cytogenetic location: 3p21.1.
Variant type: Duplication.
Coding change: c.639dup on transcript NM_004656.4 (MANE Select); coding-DNA position 639, one base duplicated (T; older notation c.639dupT).
Protein change: p.Ile214fs; shifts the reading frame from isoleucine 214.
Molecular consequence: frameshift variant.
Genome position (GRCh38, 1-based): chr3:52,406,849, A duplicated on the plus strand (T on the coding strand, the reverse complement: BAP1 is on the minus strand). VCF-style (leftmost placement, unchanged base first): chr3-52406848-T-TA. GRCh37 (hg19) VCF-style: chr3-52440864-T-TA.
Other names: short protein forms I214fs.
Identifiers: ClinVar variation 654284 (VCV000654284.11), dbSNP rs1578225793, ClinGen allele CA645529963.

ClinVar aggregate classification (germline): Pathogenic. Review status: criteria provided, multiple submitters, no conflicts (2 of 4 stars). 3 submissions from 3 submitters: Pathogenic (3). Last evaluated 2025-11-05.

Conditions:
BAP1-related tumor predisposition syndrome (TPDS1). Also called: BAP1 tumor predisposition syndrome; Tumor susceptibility linked to germline BAP1 mutations; COMMON Syndrome; TUMOR PREDISPOSITION SYNDROME 1. Identifiers: Orphanet 289539, MedGen C3280492, MONDO:0013692, OMIM 614327.
Hereditary cancer-predisposing syndrome. Also called: Hereditary neoplastic syndrome; Tumor predisposition; Neoplastic Syndromes, Hereditary; Hereditary Cancer Syndrome. Identifiers: Orphanet 140162, MedGen C0027672, MeSH D009386, MONDO:0015356.

Submissions (3):

Labcorp Genetics (formerly Invitae), Labcorp
Classification: Pathogenic for BAP1-related tumor predisposition syndrome. Last evaluated: 2025-11-05. Review status: criteria provided, single submitter. Criteria: Invitae Variant Classification Sherloc (09022015). Collection method: clinical testing. Allele origin: germline.
Comment: This sequence change creates a premature translational stop signal (p.Ile214Tyrfs*29) in the BAP1 gene. It is expected to result in an absent or disrupted protein product. Loss-of-function variants in BAP1 are known to be pathogenic (PMID: 21874000, 23684012). This variant is not present in population databases (gnomAD no frequency). This premature translational stop signal has been observed in individual(s) with uveal melanoma (PMID: 25974357). This variant is also known as c.639_640insT. ClinVar contains an entry for this variant (Variation ID: 654284). For these reasons, this variant has been classified as Pathogenic.

Myriad Genetics, Inc.
Classification: Pathogenic for BAP1-related tumor predisposition syndrome. Last evaluated: 2025-09-23. Review status: criteria provided, single submitter. Criteria: Myriad Autosomal Dominant, Autosomal Recessive and X-Linked Classification Criteria (2023). Collection method: clinical testing. Allele origin: unknown.
Comment: This variant is considered pathogenic. This variant creates a frameshift predicted to result in premature protein truncation.

Ambry Genetics
Classification: Pathogenic for Hereditary cancer-predisposing syndrome. Last evaluated: 2022-03-17. Review status: criteria provided, single submitter. Criteria: Ambry Variant Classification Scheme 2023. Collection method: clinical testing. Allele origin: germline.
Comment: The c.639dupT pathogenic mutation, located in coding exon 8 of the BAP1 gene, results from a duplication of T at nucleotide position 639, causing a translational frameshift with a predicted alternate stop codon (p.I214Yfs*29). This variant is considered to be rare based on population cohorts in the Genome Aggregation Database (gnomAD). This alteration is expected to result in loss of function by premature protein truncation or nonsense-mediated mRNA decay. As such, this alteration is interpreted as a disease-causing mutation.

Literature cited by the submitters: PubMed 21874000 (cited by Labcorp Genetics (formerly Invitae), Labcorp); PubMed 23684012 (cited by Labcorp Genetics (formerly Invitae), Labcorp); PubMed 25974357 (cited by Labcorp Genetics (formerly Invitae), Labcorp).